The following is an entry in ClinVar:

NM_000355.4(TCN2):c.116T>G (p.Leu39Ter)

Gene: TCN2 (transcobalamin 2; plus strand). Cytogenetic location: 22q12.2.
Variant type: single nucleotide variant.
Coding change: c.116T>G on transcript NM_000355.4 (MANE Select); coding-DNA position 116, T replaced by G.
Protein change: p.Leu39Ter; replaces leucine 39 with a stop codon.
Molecular consequence: nonsense.
Genome position (GRCh38, 1-based): chr22:30,610,922, T>G. VCF-style: chr22-30610922-T-G. GRCh37 (hg19) VCF-style: chr22-31006909-T-G.
Other names: c.116T>G, p.Leu39Ter (NM_001184726.2); short protein forms L39*.
Identifiers: ClinVar variation 3662785 (VCV003662785.2).
Genomic context (GRCh38, chr22:30,610,922, plus strand): 5'-TTTTCTAAGAAATACCAGAGATGGACAGCCATCTGGTAGAGAAGTTGGGCCAGCACCTCT[T>G]ACCTTGGATGGACCGGCTTTCCCTGGAGCACTTGAACCCCAGCATCTATGTGGGCCTACG-3'

ClinVar aggregate classification (germline): Pathogenic (1 of 4 stars; one submission).

Conditions:
Transcobalamin II deficiency (TCN2D). Also called: TC II DEFICIENCY; TCN2 DEFICIENCY; Transcolabamin II deficiency. Identifiers: Orphanet 859, MedGen C0342701, MONDO:0010149, OMIM 275350.

Submission:

Labcorp Genetics (formerly Invitae), Labcorp
Classification: Pathogenic for Transcobalamin II deficiency. Last evaluated: 2024-08-31. Review status: criteria provided, single submitter. Criteria: Invitae Variant Classification Sherloc (09022015). Collection method: clinical testing. Allele origin: germline.
Comment: This sequence change creates a premature translational stop signal (p.Leu39*) in the TCN2 gene. It is expected to result in an absent or disrupted protein product. Loss-of-function variants in TCN2 are known to be pathogenic (PMID: 7980584, 20352340). This variant is not present in population databases (gnomAD no frequency). This variant has not been reported in the literature in individuals affected with TCN2-related conditions. For these reasons, this variant has been classified as Pathogenic.

Literature cited by the submitters: PubMed 7980584; PubMed 20352340.